The following is an entry in ClinVar:

ClinVar aggregate classification (germline): Uncertain significance (1 of 4 stars; one submission).

Conditions:
Inborn genetic diseases. Identifiers: MedGen C0950123, MeSH D030342.

Submission:

Ambry Genetics
Classification: Uncertain significance for Inborn genetic diseases. Last evaluated: 2024-11-25. Review status: criteria provided, single submitter. Criteria: Ambry Variant Classification Scheme 2023. Collection method: clinical testing. Allele origin: germline.
Comment: The p.P376Q variant (also known as c.1127C>A), located in coding exon 7 of the WT1 gene, results from a C to A substitution at nucleotide position 1127. The proline at codon 376 is replaced by glutamine, an amino acid with similar properties. This amino acid position is conserved. In addition, this alteration is predicted to be deleterious by in silico analysis. Based on the available evidence, the clinical significance of this variant remains unclear.

NM_024426.6(WT1):c.1142C>A (p.Pro381Gln)

Gene: WT1 (WT1 transcription factor; minus strand). Cytogenetic location: 11p13.
Variant type: single nucleotide variant.
Coding change: c.1142C>A on transcript NM_024426.6 (MANE Select); coding-DNA position 1142, C replaced by A.
Protein change: p.Pro381Gln; replaces proline 381 with glutamine.
Molecular consequence: missense variant. On other transcripts: 5 prime UTR variant (1), non-coding transcript variant (2).
Genome position (GRCh38, 1-based): chr11:32,396,379, G>T on the plus strand (C>A on the coding strand, the complement: WT1 is on the minus strand). VCF-style: chr11-32396379-G-T. GRCh37 (hg19) VCF-style: chr11-32417925-G-T.
Other names: c.1091C>A, p.Pro364Gln (NM_000378.6, NM_001407045.1, NM_001407048.1 and 1 more transcripts); c.491C>A, p.Pro164Gln (NM_001198551.2); c.440C>A, p.Pro147Gln (NM_001198552.2); c.-47C>A (NM_001367854.1); c.1136C>A, p.Pro379Gln (NM_001407044.1); c.1142C>A, p.Pro381Gln (NM_001407046.1, NM_024424.5); c.1019C>A, p.Pro340Gln (NM_001407047.1); c.968C>A, p.Pro323Gln (NM_001407050.1); and 2 more; short protein forms P147Q, P359Q, P381Q, P376Q, P127Q, P364Q, P164Q, P323Q.
Identifiers: ClinVar variation 2624240 (VCV002624240.2), dbSNP rs1014605516, ClinGen allele CA379960033.